The following is an entry in ClinVar:

ClinVar aggregate classification (germline): Uncertain significance (1 of 4 stars; one submission).

Conditions:
Familial thoracic aortic aneurysm and aortic dissection (TAAD). Also called: Thoracic aortic aneurysms and dissections. Identifiers: Orphanet 91387, MedGen C4707243, MONDO:0019625.

gnomAD v4.1: 7 of 1,610,524 alleles (0.00043%); highest among the groups gnomAD compares: Non-Finnish European, 0.00059%; no homozygotes.

Submission:

Ambry Genetics
Classification: Uncertain significance for Familial thoracic aortic aneurysm and aortic dissection. Last evaluated: 2025-05-05. Review status: criteria provided, single submitter. Criteria: Ambry Variant Classification Scheme 2023. Collection method: clinical testing. Allele origin: germline.
Comment: The p.R299C variant (also known as c.895C>T), located in coding exon 1 of the SKI gene, results from a C to T substitution at nucleotide position 895. The arginine at codon 299 is replaced by cysteine, an amino acid with highly dissimilar properties. This amino acid position is conserved. In addition, the in silico prediction for this alteration is inconclusive. Since supporting evidence is limited at this time, the clinical significance of this alteration remains unclear.

NM_003036.4(SKI):c.895C>T (p.Arg299Cys)

Gene: SKI (SKI proto-oncogene; plus strand). Cytogenetic location: 1p36.33.
Variant type: single nucleotide variant.
Coding change: c.895C>T on transcript NM_003036.4 (MANE Select); coding-DNA position 895, C replaced by T.
Protein change: p.Arg299Cys; replaces arginine 299 with cysteine.
Molecular consequence: missense variant.
Genome position (GRCh38, 1-based): chr1:2,229,661, C>T. VCF-style: chr1-2229661-C-T. GRCh37 (hg19) VCF-style: chr1-2161100-C-T.
Other names: short protein forms R299C.
Identifiers: ClinVar variation 3954880 (VCV003954880.1).
Genomic context (GRCh38, chr1:2,229,661, plus strand): 5'-GCCAACTGGCGGGCCTACATCCTGCTGAGCCAGGATTACACGGGCAAGGAGGAGCAGGCG[C>T]GCCTCGGCCGCTGCCTGGACGACGTGAAGGAGAAATTCGACTATGGCAACAAGTACAAGC-3'
Protein context (NP_003027.1, residues 289-309): QDYTGKEEQA[Arg299Cys]LGRCLDDVKE